The following is an entry in ClinVar:

NM_001122769.3(LCA5):c.827A>G (p.Lys276Arg)

Gene: LCA5 (lebercilin LCA5; minus strand). Cytogenetic location: 6q14.1.
Variant type: single nucleotide variant.
Coding change: c.827A>G on transcript NM_001122769.3 (MANE Select); coding-DNA position 827, A replaced by G.
Protein change: p.Lys276Arg; replaces lysine 276 with arginine.
Molecular consequence: missense variant.
Genome position (GRCh38, 1-based): chr6:79,493,644, T>C on the plus strand (A>G on the coding strand, the complement: LCA5 is on the minus strand). VCF-style: chr6-79493644-T-C. GRCh37 (hg19) VCF-style: chr6-80203361-T-C.
Other names: c.827A>G, p.Lys276Arg (NM_181714.4); short protein forms K276R.
Identifiers: ClinVar variation 862710 (VCV000862710.5), dbSNP rs368131181, ClinGen allele CA3901017.
Genomic context (GRCh38, chr6:79,493,644, plus strand): 5'-TGGAAAACAATGCAATTTAAAATACTTACCTTTAATTTGTGATATAGTCGCTGTACCTCC[T>C]TTTGAAGAACTTTATTTTCATCATGAGCCTCATATGCCCTTTTCCTTTCAGCAAGCAACT-3'
Protein context (NP_001116241.1, residues 266-286): EAHDENKVLQ[Lys276Arg]EVQRLYHKLK

ClinVar aggregate classification (germline): Uncertain significance. Review status: criteria provided, single submitter (1 of 4 stars). 2 submissions from 2 submitters: Uncertain significance (1). 1 of the submissions does not count toward it. Last evaluated 2022-10-25.

Conditions:
Leber congenital amaurosis (LCA). Also called: Leber's amaurosis. Identifiers: Orphanet 65, MedGen C0339527, MeSH D057130, MONDO:0018998.

Allele frequency attached by ClinVar (database versions not stated): gnomAD exomes 0.00001 and 0.00002; ExAC 0.00002; TOPMed 0.00002; gnomAD 0.00003; ESP Exome Variant Server 0.00008.

Submissions (2):

Labcorp Genetics (formerly Invitae), Labcorp
Classification: Uncertain significance. Last evaluated: 2022-10-25. Review status: criteria provided, single submitter. Criteria: Invitae Variant Classification Sherloc (09022015). Collection method: clinical testing. Allele origin: germline.
Comment: This sequence change replaces lysine, which is basic and polar, with arginine, which is basic and polar, at codon 276 of the LCA5 protein (p.Lys276Arg). This variant is present in population databases (rs368131181, gnomAD 0.006%). This variant has not been reported in the literature in individuals affected with LCA5-related conditions. ClinVar contains an entry for this variant (Variation ID: 862710). Advanced modeling of protein sequence and biophysical properties (such as structural, functional, and spatial information, amino acid conservation, physicochemical variation, residue mobility, and thermodynamic stability) performed at Invitae indicates that this missense variant is not expected to disrupt LCA5 protein function. In summary, the available evidence is currently insufficient to determine the role of this variant in disease. Therefore, it has been classified as a Variant of Uncertain Significance.

Natera, Inc.
Classification: Uncertain significance for Leber congenital amaurosis. Last evaluated: 2020-09-16. Review status: no assertion criteria provided. Collection method: clinical testing. Allele origin: germline. Not counted in ClinVar's aggregate classification.